The following is an entry in ClinVar:

ClinVar aggregate classification (germline): Uncertain significance (0 of 4 stars; one submission).

Conditions:
PCNT-related disorder. Also called: PCNT-related condition.

gnomAD v4.1: 14 of 1,614,032 alleles (0.00087%); highest among the groups gnomAD compares: South Asian, 0.0077%; no homozygotes.

Submission:

PreventionGenetics, part of Exact Sciences
Classification: Uncertain significance for PCNT-related condition. Last evaluated: 2024-06-30. Review status: no assertion criteria provided. Collection method: clinical testing. Allele origin: germline.
Comment: The PCNT c.9053C>T variant is predicted to result in the amino acid substitution p.Thr3018Met. To our knowledge, this variant has not been reported in the literature. This variant is reported in 0.020% of alleles in individuals of South Asian descent in gnomAD. At this time, the clinical significance of this variant is uncertain due to the absence of conclusive functional and genetic evidence.

NM_006031.6(PCNT):c.9053C>T (p.Thr3018Met)

Gene: PCNT (pericentrin; plus strand). Cytogenetic location: 21q22.3.
Variant type: single nucleotide variant.
Coding change: c.9053C>T on transcript NM_006031.6 (MANE Select); coding-DNA position 9053, C replaced by T.
Protein change: p.Thr3018Met; replaces threonine 3018 with methionine.
Molecular consequence: missense variant.
Genome position (GRCh38, 1-based): chr21:46,437,035, C>T. VCF-style: chr21-46437035-C-T. GRCh37 (hg19) VCF-style: chr21-47856948-C-T.
Other names: c.8462C>T, p.Thr2821Met (NM_001315529.2); short protein forms T2821M, T3018M.
Identifiers: ClinVar variation 3351934 (VCV003351934.1).
Genomic context (GRCh38, chr21:46,437,035, plus strand): 5'-ACAGGACAGTTAATGATTGGACGTCATCCAATGAGAAAGCAGTGATGTCTTTACTGCACA[C>T]GTTGGAGGAGCTGAAGTCTGACTTGAGCAGGCCCACCTCCTCCCAGGTAAGGGGTGAGCG-3'
Protein context (NP_006022.3, residues 3008-3028): NEKAVMSLLH[Thr3018Met]LEELKSDLSR